The following is an entry in ClinVar:

NM_001166108.2(PALLD):c.1965-12643G>A

Gene: PALLD (palladin, cytoskeletal associated protein; plus strand). Cytogenetic location: 4q32.3.
Variant type: single nucleotide variant.
Coding change: c.1965-12643G>A on transcript NM_001166108.2 (MANE Select); 12643 bases into the intron before coding-DNA position 1965, G replaced by A.
Molecular consequence: intron variant. On other transcripts: missense variant (1).
Genome position (GRCh38, 1-based): chr4:168,878,279, G>A. VCF-style: chr4-168878279-G-A. GRCh37 (hg19) VCF-style: chr4-169799430-G-A.
Other names: c.388G>A, p.Ala130Thr (NM_001166110.2); c.1965-12643G>A (NM_016081.4); c.819-12643G>A (NM_001166109.2); c.-157-12643G>A (NM_001367570.1, NM_001367568.1, NM_001367567.1 and 1 more transcripts); short protein forms A130T.
Identifiers: ClinVar variation 3413705 (VCV003413705.1).

ClinVar aggregate classification (germline): Uncertain significance (1 of 4 stars; one submission).

Submission:

Ambry Genetics
Classification: Uncertain significance. Last evaluated: 2024-11-25. Review status: criteria provided, single submitter. Criteria: Ambry Variant Classification Scheme 2023. Collection method: clinical testing. Allele origin: germline.
Comment: The p.A130T variant (also known as c.388G>A), located in coding exon 1 of the PALLD gene, results from a G to A substitution at nucleotide position 388. The alanine at codon 130 is replaced by threonine, an amino acid with similar properties. This amino acid position is conserved. In addition, this alteration is predicted to be tolerated by in silico analysis. Based on the available evidence, the clinical significance of this variant remains unclear.